The following is an entry in ClinVar:

NM_000214.3(JAG1):c.815T>A (p.Val272Asp)

Gene: JAG1 (jagged canonical Notch ligand 1; minus strand). Cytogenetic location: 20p12.2.
Variant type: single nucleotide variant.
Coding change: c.815T>A on transcript NM_000214.3 (MANE Select); coding-DNA position 815, T replaced by A.
Protein change: p.Val272Asp; replaces valine 272 with aspartic acid.
Molecular consequence: missense variant.
Genome position (GRCh38, 1-based): chr20:10,652,539, A>T on the plus strand (T>A on the coding strand, the complement: JAG1 is on the minus strand). VCF-style: chr20-10652539-A-T. GRCh37 (hg19) VCF-style: chr20-10633187-A-T.
Other names: short protein forms V272D.
Identifiers: ClinVar variation 2191578 (VCV002191578.4), dbSNP rs773279294, ClinGen allele CA408239356.
Genomic context (GRCh38, chr20:10,652,539, plus strand): 5'-AGCTGGCCGCCCCAGTTGGTCTCACAGAGGCACTGCCAGGGCTCATTACAGATGCCGTGG[A>T]CGCATCCCGGGTGTGGGATGCACTTATCACAGTACAGGCCTTGCCAGCCGTACTGGCACC-3'
Protein context (NP_000205.1, residues 262-282): CDKCIPHPGC[Val272Asp]HGICNEPWQC

ClinVar aggregate classification (germline): Uncertain significance (1 of 4 stars; one submission).

Conditions:
Alagille syndrome due to a JAG1 point mutation. Also called: Alagille Syndrome 1; JAG1-Related Alagille Syndrome; HEPATIC DUCTULAR HYPOPLASIA, SYNDROMATIC. Identifiers: Orphanet 261619, Orphanet 52, MedGen C1956125, MONDO:0016862, OMIM 118450.

Submission:

Labcorp Genetics (formerly Invitae), Labcorp
Classification: Uncertain significance for Alagille syndrome due to a JAG1 point mutation. Last evaluated: 2024-08-30. Review status: criteria provided, single submitter. Criteria: Invitae Variant Classification Sherloc (09022015). Collection method: clinical testing. Allele origin: germline.
Comment: This sequence change replaces valine, which is neutral and non-polar, with aspartic acid, which is acidic and polar, at codon 272 of the JAG1 protein (p.Val272Asp). This variant is present in population databases (no rsID available, gnomAD 0.0009%). This variant has not been reported in the literature in individuals affected with JAG1-related conditions. ClinVar contains an entry for this variant (Variation ID: 2191578). Invitae Evidence Modeling of protein sequence and biophysical properties (such as structural, functional, and spatial information, amino acid conservation, physicochemical variation, residue mobility, and thermodynamic stability) indicates that this missense variant is not expected to disrupt JAG1 protein function with a negative predictive value of 80%. In summary, the available evidence is currently insufficient to determine the role of this variant in disease. Therefore, it has been classified as a Variant of Uncertain Significance.